The following is an entry in ClinVar:

ClinVar aggregate classification (germline): Likely benign (1 of 4 stars; one submission).

Submission:

GeneDx
Classification: Likely benign. Last evaluated: 2017-06-22. Review status: criteria provided, single submitter. Criteria: GeneDx Variant Classification (06012015). Collection method: clinical testing. Allele origin: germline. Affected: yes.
Comment: This variant is considered likely benign or benign based on one or more of the following criteria: it is a conservative change, it occurs at a poorly conserved position in the protein, it is predicted to be benign by multiple in silico algorithms, and/or has population frequency not consistent with disease.

NM_017882.3(CLN6):c.542+8A>G

Gene: CLN6 (CLN6 transmembrane ER protein; minus strand). Cytogenetic location: 15q23.
Variant type: single nucleotide variant.
Coding change: c.542+8A>G on transcript NM_017882.3 (MANE Select); 8 bases into the intron after coding-DNA position 542, A replaced by G.
Molecular consequence: intron variant.
Genome position (GRCh38, 1-based): chr15:68,211,255, T>C on the plus strand (A>G on the coding strand, the complement: CLN6 is on the minus strand). VCF-style: chr15-68211255-T-C. GRCh37 (hg19) VCF-style: chr15-68503593-T-C.
Identifiers: ClinVar variation 518120 (VCV000518120.1), dbSNP rs1555438612, ClinGen allele CA658798397.